The following is an entry in ClinVar:

NM_006922.4(SCN3A):c.3758T>C (p.Leu1253Pro)

Gene: SCN3A (sodium voltage-gated channel alpha subunit 3; minus strand). Cytogenetic location: 2q24.3.
Variant type: single nucleotide variant.
Coding change: c.3758T>C on transcript NM_006922.4 (MANE Select); coding-DNA position 3758, T replaced by C.
Protein change: p.Leu1253Pro; replaces leucine 1253 with proline.
Molecular consequence: missense variant.
Genome position (GRCh38, 1-based): chr2:165,112,970, A>G on the plus strand (T>C on the coding strand, the complement: SCN3A is on the minus strand). VCF-style: chr2-165112970-A-G. GRCh37 (hg19) VCF-style: chr2-165969480-A-G.
Other names: c.3611T>C, p.Leu1204Pro (NM_001081676.2, NM_001081677.2); short protein forms L1204P, L1253P.
Identifiers: ClinVar variation 4759486 (VCV004759486.1).
Genomic context (GRCh38, chr2:165,112,970, plus strand): 5'-CACCAGGCATTAGTGAAATATGTTTGAAATCCATAAGCAACCCATTTGAGAAGCATTTCC[A>G]GAATGAATATATAGGTAAAGACTTTGTCAGCATATTCTAGCATGGTTTTGATAGTCTTTC-3'
Protein context (NP_008853.3, residues 1243-1263): ADKVFTYIFI[Leu1253Pro]EMLLKWVAYG

ClinVar aggregate classification (germline): Uncertain significance (1 of 4 stars; one submission).

Conditions:
Epilepsy, familial focal, with variable foci 4 (FFEVF4). Identifiers: MedGen C4693694, MONDO:0054776, OMIM 617935.

gnomAD v4.1: 1 of 1,613,404 alleles (0.000062%); highest among the groups gnomAD compares: Non-Finnish European, 0.000085%; no homozygotes.

Submission:

Illumina Laboratory Services, Illumina
Classification: Uncertain significance for Epilepsy, familial focal, with variable foci 4. Last evaluated: 2024-05-08. Review status: criteria provided, single submitter. Criteria: ISL SNV Classification Criteria 03 February 2026. Collection method: clinical testing. Allele origin: unknown.
Comment: The SCN3A c.3758T>C p.(Leu1253Pro) missense variant has not, to our knowledge, been reported in the peer-reviewed literature. This variant is not observed at a significant frequency in version 4.1.0 of the Genome Aggregation Database. Multiple lines of computational evidence suggest the variant may impact the gene or gene product. Based on the available evidence, the c.3758T>C p.(Leu1253Pro) variant is classified as a variant of uncertain significance for developmental and epileptic encephalopathy.